The following is an entry in ClinVar:

ClinVar aggregate classification (germline): Uncertain significance. Review status: criteria provided, multiple submitters, no conflicts (2 of 4 stars). 2 submissions from 2 submitters: Uncertain significance (2). Last evaluated 2025-10-30.

Conditions:
Hereditary cancer-predisposing syndrome. Also called: Tumor predisposition; Hereditary Cancer Syndrome; Neoplastic Syndromes, Hereditary; Hereditary neoplastic syndrome. Identifiers: Orphanet 140162, MedGen C0027672, MeSH D009386, MONDO:0015356.
Birt-Hogg-Dube syndrome. Also called: Birt Hogg Dubé syndrome. Identifiers: Orphanet 122, MedGen C0346010, MONDO:0800444.

Submissions (2):

Ambry Genetics
Classification: Uncertain significance for Hereditary cancer-predisposing syndrome. Last evaluated: 2025-10-30. Review status: criteria provided, single submitter. Criteria: Ambry Variant Classification Scheme 2023. Collection method: clinical testing. Allele origin: germline.
Comment: The p.E464A variant (also known as c.1391A>C), located in coding exon 9 of the FLCN gene, results from an A to C substitution at nucleotide position 1391. The glutamic acid at codon 464 is replaced by alanine, an amino acid with dissimilar properties. This amino acid position is conserved. In addition, this alteration is predicted to be deleterious by in silico analysis. Based on the available evidence, the clinical significance of this variant remains unclear.

Labcorp Genetics (formerly Invitae), Labcorp
Classification: Uncertain significance for Birt-Hogg-Dube syndrome. Last evaluated: 2025-08-07. Review status: criteria provided, single submitter. Criteria: Invitae Variant Classification Sherloc (09022015). Collection method: clinical testing. Allele origin: germline.
Comment: This sequence change replaces glutamic acid, which is acidic and polar, with alanine, which is neutral and non-polar, at codon 464 of the FLCN protein (p.Glu464Ala). This variant is not present in population databases (gnomAD no frequency). This variant has not been reported in the literature in individuals affected with FLCN-related conditions. ClinVar contains an entry for this variant (Variation ID: 1018438). Invitae Evidence Modeling of protein sequence and biophysical properties (such as structural, functional, and spatial information, amino acid conservation, physicochemical variation, residue mobility, and thermodynamic stability) indicates that this missense variant is not expected to disrupt FLCN protein function with a negative predictive value of 80%. In summary, the available evidence is currently insufficient to determine the role of this variant in disease. Therefore, it has been classified as a Variant of Uncertain Significance.

NM_144997.7(FLCN):c.1391A>C (p.Glu464Ala)

Gene: FLCN (folliculin; minus strand). Cytogenetic location: 17p11.2.
Variant type: single nucleotide variant.
Coding change: c.1391A>C on transcript NM_144997.7 (MANE Select); coding-DNA position 1391, A replaced by C.
Protein change: p.Glu464Ala; replaces glutamic acid 464 with alanine.
Molecular consequence: missense variant.
Genome position (GRCh38, 1-based): chr17:17,215,226, T>G on the plus strand (A>C on the coding strand, the complement: FLCN is on the minus strand). VCF-style: chr17-17215226-T-G. GRCh37 (hg19) VCF-style: chr17-17118540-T-G.
Other names: c.1391A>C (NM_144997.5); c.1445A>C, p.Glu482Ala (NM_001353229.2); c.1391A>C, p.Glu464Ala (NM_001353230.2, NM_001353231.2); short protein forms E464A, E482A.
Identifiers: ClinVar variation 1018438 (VCV001018438.8), dbSNP rs2046878030, ClinGen allele CA398531228.